The following is an entry in ClinVar:

ClinVar aggregate classification (germline): Pathogenic (1 of 4 stars; one submission).

Submission:

GeneDx
Classification: Pathogenic. Last evaluated: 2018-05-08. Review status: criteria provided, single submitter. Criteria: GeneDx Variant Classification (06012015). Collection method: clinical testing. Allele origin: germline. Affected: yes.
Comment: The V685G variant in the GRIN2A gene has been reported previously in an individual with severe intractable epilepsy and global developmental delay (Swanger et al., 2016). The V685G variant is not observed in large population cohorts (Lek et al., 2016). The V685G variant is a conservative amino acid substitution in the agonist binding domain. Functional studies demonstrate that the V685G variant results in loss of normal protein function (Swanger et al., 2016). We interpret V685G as a pathogenic variant.

NM_001134407.3(GRIN2A):c.2054T>G (p.Val685Gly)

Gene: GRIN2A (glutamate ionotropic receptor NMDA type subunit 2A; minus strand). Cytogenetic location: 16p13.2.
Variant type: single nucleotide variant.
Coding change: c.2054T>G on transcript NM_001134407.3 (MANE Select); coding-DNA position 2054, T replaced by G.
Protein change: p.Val685Gly; replaces valine 685 with glycine.
Molecular consequence: missense variant.
Genome position (GRCh38, 1-based): chr16:9,822,378, A>C on the plus strand (T>G on the coding strand, the complement: GRIN2A is on the minus strand). VCF-style: chr16-9822378-A-C. GRCh37 (hg19) VCF-style: chr16-9916235-A-C.
Other names: p.V685G:GTG>GGG; c.2054T>G, p.Val685Gly (NM_000833.5, NM_001134408.2); short protein forms V685G.
Identifiers: ClinVar variation 205655 (VCV000205655.2), dbSNP rs796052548, ClinGen allele CA314945.